The following is an entry in ClinVar:

ClinVar aggregate classification (germline): Likely benign (1 of 4 stars; one submission).

Conditions:
BEST1-related disorder. Also called: BEST1-related condition; BEST1-related disorders. Identifiers: MedGen CN239200.

gnomAD v4.1: 8 of 1,614,102 alleles (0.0005%); highest among the groups gnomAD compares: Non-Finnish European, 0.00059%; no homozygotes.

Submission:

PreventionGenetics, part of Exact Sciences
Classification: Likely benign for BEST1-related condition. Last evaluated: 2025-04-10. Review status: criteria provided, single submitter. Criteria: ACMG Guidelines, 2015. Collection method: clinical testing. Allele origin: germline.
Comment: This variant is classified as likely benign based on ACMG/AMP sequence variant interpretation guidelines (Richards et al. 2015 PMID: 25741868, with internal and published modifications).

NM_004183.4(BEST1):c.867+4G>A

Gene: BEST1 (bestrophin 1; plus strand). Cytogenetic location: 11q12.3.
Variant type: single nucleotide variant.
Coding change: c.867+4G>A on transcript NM_004183.4 (MANE Select); 4 bases into the intron after coding-DNA position 867, G replaced by A.
Molecular consequence: intron variant. On other transcripts: missense variant (1), 5 prime UTR variant (1), non-coding transcript variant (1).
Genome position (GRCh38, 1-based): chr11:61,958,302, G>A. VCF-style: chr11-61958302-G-A. GRCh37 (hg19) VCF-style: chr11-61725774-G-A.
Other names: c.871G>A, p.Gly291Ser (NM_001363592.2); c.-305G>A (NM_001363593.3); c.867+4G>A (NM_001440571.1, NM_001440572.1); c.714+838G>A (NM_001440573.1); c.687+4G>A (NM_001139443.3, NM_001300787.2, NM_001440574.1 and 1 more transcripts); c.534+838G>A (NM_001440575.1, NM_001440576.1); c.549+4G>A (NM_001363591.3); short protein forms G291S.
Identifiers: ClinVar variation 4986328 (VCV004986328.1).